The following is an entry in ClinVar:

NM_007078.3(LDB3):c.835G>A (p.Ala279Thr)

Gene: LDB3 (LIM domain binding 3; plus strand). Cytogenetic location: 10q23.2.
Variant type: single nucleotide variant.
Coding change: c.835G>A on transcript NM_007078.3 (MANE Select); coding-DNA position 835, G replaced by A.
Protein change: p.Ala279Thr; replaces alanine 279 with threonine.
Molecular consequence: missense variant.
Genome position (GRCh38, 1-based): chr10:86,692,041, G>A. VCF-style: chr10-86692041-G-A. GRCh37 (hg19) VCF-style: chr10-88451798-G-A.
Other names: c.694G>A, p.Ala232Thr (NM_001368068.1, NM_001368066.1, NM_001368067.1 and 2 more transcripts); c.835G>A, p.Ala279Thr (NM_001368064.1, NM_001368065.1, NM_001080115.2 and 1 more transcripts); c.1039G>A, p.Ala347Thr (NM_001171610.2, NM_001171611.2); short protein forms A232T, A279T, A347T.
Identifiers: ClinVar variation 5023528 (VCV005023528.1).
Genomic context (GRCh38, chr10:86,692,041, plus strand): 5'-GAGGCTGACGAGTGGGCACGCCGTTCCTCCAACCTGCAGTCTCGCTCCTTCCGCATCCTG[G>A]CCCAGATGACGGGGACAGAATTCAGTGAGTGCAGGCTCTCAGGGTGGCTGCAGAGGAGGG-3'
Protein context (NP_009009.1, residues 269-289): NLQSRSFRIL[Ala279Thr]QMTGTEFMQD

ClinVar aggregate classification (germline): Uncertain significance (1 of 4 stars; one submission).

Conditions:
Cardiovascular phenotype. Identifiers: MedGen CN230736.

Submission:

Ambry Genetics
Classification: Uncertain significance for Cardiovascular phenotype. Last evaluated: 2026-08-07. Review status: criteria provided, single submitter. Criteria: Ambry Variant Classification Scheme 2023. Collection method: clinical testing. Allele origin: germline.
Comment: The p.A279T variant (also known as c.835G>A), located in coding exon 5 of the LDB3 gene, results from a G to A substitution at nucleotide position 835. The alanine at codon 279 is replaced by threonine, an amino acid with similar properties. This alteration was reported in 1 individual(s) with dilated cardiomyopathy (DCM) who also had variants in other cardiac-related genes (Pugh TJ et al. Genet Med, 2014 Aug;16:601-8). This amino acid position is highly conserved in available vertebrate species. In addition, the in silico prediction for this alteration is inconclusive. Based on the available evidence, the clinical significance of this variant remains unclear.

Literature cited by the submitters: PubMed 24503780.